The following is an entry in ClinVar:

NM_001256789.3(CACNA1F):c.1805T>C (p.Val602Ala)

Gene: CACNA1F (calcium voltage-gated channel subunit alpha1 F; minus strand). Cytogenetic location: Xp11.23.
Variant type: single nucleotide variant.
Coding change: c.1805T>C on transcript NM_001256789.3 (MANE Select); coding-DNA position 1805, T replaced by C.
Protein change: p.Val602Ala; replaces valine 602 with alanine.
Molecular consequence: missense variant.
Genome position (GRCh38, 1-based): chrX:49,224,833, A>G on the plus strand (T>C on the coding strand, the complement: CACNA1F is on the minus strand). VCF-style: chrX-49224833-A-G. GRCh37 (hg19) VCF-style: chrX-49081295-A-G.
Other names: c.1643T>C, p.Val548Ala (NM_001256790.3); c.1838T>C, p.Val613Ala (NM_005183.4); short protein forms V613A, V548A, V602A.
Identifiers: ClinVar variation 1522488 (VCV001522488.8), dbSNP rs1276456904, ClinGen allele CA412914691.
Genomic context (GRCh38, chrX:49,224,833, plus strand): 5'-AAGATCCTGAGGAGGCGCACACATCGGAGCACTGAGATGCCCAAGGGCTGCATGGCACCC[A>G]CCTCCACCAAGGTGGTCTCTAGGATGCCCCCACAGACCACAAAGCAGTCAAAGCGGTTGA-3'
Protein context (NP_001243718.1, residues 592-612): GGILETTLVE[Val602Ala]GAMQPLGISV

ClinVar aggregate classification (germline): Uncertain significance (1 of 4 stars; one submission).

Allele frequency attached by ClinVar (database versions not stated): TOPMed 0.00001.

Submission:

Labcorp Genetics (formerly Invitae), Labcorp
Classification: Uncertain significance. Last evaluated: 2023-08-10. Review status: criteria provided, single submitter. Criteria: Invitae Variant Classification Sherloc (09022015). Collection method: clinical testing. Allele origin: germline.
Comment: ClinVar contains an entry for this variant (Variation ID: 1522488). This variant has not been reported in the literature in individuals affected with CACNA1F-related conditions. This variant is not present in population databases (gnomAD no frequency). This sequence change replaces valine, which is neutral and non-polar, with alanine, which is neutral and non-polar, at codon 613 of the CACNA1F protein (p.Val613Ala). In summary, the available evidence is currently insufficient to determine the role of this variant in disease. Therefore, it has been classified as a Variant of Uncertain Significance. Advanced modeling of protein sequence and biophysical properties (such as structural, functional, and spatial information, amino acid conservation, physicochemical variation, residue mobility, and thermodynamic stability) performed at Invitae indicates that this missense variant is not expected to disrupt CACNA1F protein function.